The following is an entry in ClinVar:

NM_170606.3(KMT2C):c.14073C>T (p.Tyr4691=)

Gene: KMT2C (lysine methyltransferase 2C; minus strand). Cytogenetic location: 7q36.1.
Variant type: single nucleotide variant.
Coding change: c.14073C>T on transcript NM_170606.3 (MANE Select); coding-DNA position 14073, C replaced by T.
Protein change: p.Tyr4691=; no amino-acid change (tyrosine 4691 retained).
Molecular consequence: synonymous variant.
Genome position (GRCh38, 1-based): chr7:152,145,254, G>A on the plus strand (C>T on the coding strand, the complement: KMT2C is on the minus strand). VCF-style: chr7-152145254-G-A. GRCh37 (hg19) VCF-style: chr7-151842339-G-A.
Other names: c.14073C>T (NM_170606.2).
Identifiers: ClinVar variation 1166661 (VCV001166661.28), dbSNP rs151023183, ClinGen allele CA4578502.

ClinVar aggregate classification (germline): Benign/Likely benign. Review status: criteria provided, multiple submitters, no conflicts (2 of 4 stars). 5 submissions from 5 submitters: Benign (2); Likely benign (3). Last evaluated 2026-07-01.

Conditions:
KMT2C-related disorder. Also called: KMT2C-related condition; KMT2C-related disorders.

Allele frequency attached by ClinVar (database versions not stated): gnomAD 0.00067 and 0.00065; TOPMed 0.00084; 1000 Genomes Project 30x 0.00094; 1000 Genomes Project 0.00100; ESP Exome Variant Server 0.00015.
gnomAD v4.1: 593 of 1,614,140 alleles (0.037%); highest among the groups gnomAD compares: Admixed American, 0.28%; 2 homozygotes.

Submissions (5):

CeGaT Center for Human Genetics Tuebingen
Classification: Likely benign. Last evaluated: 2026-07-01. Review status: criteria provided, single submitter. Criteria: CeGaT Center For Human Genetics Tuebingen Variant Classification Criteria Version 2. Collection method: clinical testing. Allele origin: germline. Affected: yes. Observed: 4 variant alleles.
Comment: KMT2C: BP4, BP7, BS1

PreventionGenetics, part of Exact Sciences
Classification: Likely benign for KMT2C-related condition. Last evaluated: 2025-11-25. Review status: criteria provided, single submitter. Criteria: ACMG Guidelines, 2015. Collection method: clinical testing. Allele origin: germline.
Comment: This variant is classified as likely benign based on ACMG/AMP sequence variant interpretation guidelines (Richards et al. 2015 PMID: 25741868, with internal and published modifications).

Labcorp Genetics (formerly Invitae), Labcorp
Classification: Benign. Last evaluated: 2025-10-01. Review status: criteria provided, single submitter. Criteria: Invitae Variant Classification Sherloc (09022015). Collection method: clinical testing. Allele origin: germline.

Blueprint Genetics
Classification: Likely benign. Last evaluated: 2024-10-23. Review status: criteria provided, single submitter. Criteria: ACMG Guidelines, 2015. Collection method: clinical testing. Allele origin: germline.

Breakthrough Genomics
Classification: Benign. Review status: criteria provided, single submitter. Criteria: ACMG Guidelines, 2015. Collection method: not provided. Allele origin: germline. Inheritance: Autosomal dominant inheritance. Affected: yes.